The following is an entry in ClinVar:

ClinVar aggregate classification (germline): Uncertain significance. Review status: criteria provided, multiple submitters, no conflicts (2 of 4 stars). 2 submissions from 2 submitters: Uncertain significance (2). Last evaluated 2025-10-29.

Conditions:
Inborn genetic diseases. Identifiers: MedGen C0950123, MeSH D030342.

Allele frequency attached by ClinVar (database versions not stated): ESP Exome Variant Server 0.00008; gnomAD exomes 0.00001; ExAC 0.00003; TOPMed 0.00012; gnomAD 0.00012.
gnomAD v4.1: 23 of 1,613,742 alleles (0.0014%); highest among the groups gnomAD compares: African/African-American, 0.027%; no homozygotes.

Submissions (2):

Ambry Genetics
Classification: Uncertain significance for Inborn genetic diseases. Last evaluated: 2025-10-29. Review status: criteria provided, single submitter. Criteria: Ambry Variant Classification Scheme 2023. Collection method: clinical testing. Allele origin: germline.

Labcorp Genetics (formerly Invitae), Labcorp
Classification: Uncertain significance. Last evaluated: 2022-08-10. Review status: criteria provided, single submitter. Criteria: Invitae Variant Classification Sherloc (09022015). Collection method: clinical testing. Allele origin: germline.
Comment: In summary, the available evidence is currently insufficient to determine the role of this variant in disease. Therefore, it has been classified as a Variant of Uncertain Significance. Algorithms developed to predict the effect of missense changes on protein structure and function are either unavailable or do not agree on the potential impact of this missense change (SIFT: "Deleterious"; PolyPhen-2: "Benign"; Align-GVGD: "Class C0"). This variant has not been reported in the literature in individuals affected with SPEG-related conditions. This variant is present in population databases (rs374660413, gnomAD 0.02%). This sequence change replaces valine, which is neutral and non-polar, with phenylalanine, which is neutral and non-polar, at codon 1299 of the SPEG protein (p.Val1299Phe).

NM_005876.5(SPEG):c.3895G>T (p.Val1299Phe)

Gene: SPEG (striated muscle enriched protein kinase; plus strand). Cytogenetic location: 2q35.
Variant type: single nucleotide variant.
Coding change: c.3895G>T on transcript NM_005876.5 (MANE Select); coding-DNA position 3895, G replaced by T.
Protein change: p.Val1299Phe; replaces valine 1299 with phenylalanine.
Molecular consequence: missense variant.
Genome position (GRCh38, 1-based): chr2:219,472,286, G>T. VCF-style: chr2-219472286-G-T. GRCh37 (hg19) VCF-style: chr2-220337008-G-T.
Other names: c.3895G>T (NM_005876.4); short protein forms V1299F.
Identifiers: ClinVar variation 2176988 (VCV002176988.3), dbSNP rs374660413, ClinGen allele CA2126329.